The following is an entry in ClinVar:

ClinVar aggregate classification (germline): Benign (1 of 4 stars; one submission).

Allele frequency attached by ClinVar (database versions not stated): gnomAD exomes 0.00039; gnomAD 0.00271; 1000 Genomes Project 0.00319; TOPMed 0.00342; 1000 Genomes Project 30x 0.00390.
gnomAD v4.1: 515 of 398,610 alleles (0.13%); highest among the groups gnomAD compares: African/African-American, 0.93%; 2 homozygotes.

Submission:

CeGaT Center for Human Genetics Tuebingen
Classification: Benign. Last evaluated: 2026-04-01. Review status: criteria provided, single submitter. Criteria: CeGaT Center For Human Genetics Tuebingen Variant Classification Criteria Version 2. Collection method: clinical testing. Allele origin: germline. Affected: yes. Observed: 5 variant alleles.
Comment: KCNQ1OT1: BS1, BS2

NM_000218.3(KCNQ1):c.1393+36170A>G

Genes: KCNQ1 (potassium voltage-gated channel subfamily Q member 1; plus strand), KCNQ1OT1 (KCNQ1 opposite strand/antisense transcript 1; minus strand). Cytogenetic location: 11p15.5.
Variant type: single nucleotide variant.
Coding change: c.1393+36170A>G on transcript NM_000218.3 (MANE Select); 36170 bases into the intron after coding-DNA position 1393, A replaced by G.
Molecular consequence: intron variant. On other transcripts: non-coding transcript variant (1).
Genome position (GRCh38, 1-based): chr11:2,625,024, A>G. VCF-style: chr11-2625024-A-G. GRCh37 (hg19) VCF-style: chr11-2646254-A-G.
Other names: c.1123+36170A>G (NM_001406837.1); c.1297+36170A>G (NM_001406836.1); c.853+36170A>G (NM_001406838.1); c.1012+36170A>G (NM_181798.2).
Identifiers: ClinVar variation 2641393 (VCV002641393.24), dbSNP rs143908838, ClinGen allele CA216364122.